The following is an entry in ClinVar:

ClinVar aggregate classification (germline): Uncertain significance (1 of 4 stars; one submission).

Conditions:
Hereditary cancer-predisposing syndrome. Also called: Hereditary Cancer Syndrome; Neoplastic Syndromes, Hereditary; Tumor predisposition; Hereditary neoplastic syndrome. Identifiers: Orphanet 140162, MedGen C0027672, MeSH D009386, MONDO:0015356.

Submission:

Ambry Genetics
Classification: Uncertain significance for Hereditary cancer-predisposing syndrome. Last evaluated: 2026-08-29. Review status: criteria provided, single submitter. Criteria: Ambry Variant Classification Scheme 2023. Collection method: clinical testing. Allele origin: germline.
Comment: The p.F62I variant (also known as c.184T>A), located in coding exon 1 of the CDKN1B gene, results from a T to A substitution at nucleotide position 184. The phenylalanine at codon 62 is replaced by isoleucine, an amino acid with highly similar properties. This amino acid position is conserved. In addition, this alteration is predicted to be deleterious by in silico analysis. Based on the available evidence, the clinical significance of this variant remains unclear.

NM_004064.5(CDKN1B):c.184T>A (p.Phe62Ile)

Gene: CDKN1B (cyclin dependent kinase inhibitor 1B; plus strand). Cytogenetic location: 12p13.1.
Variant type: single nucleotide variant.
Coding change: c.184T>A on transcript NM_004064.5 (MANE Select); coding-DNA position 184, T replaced by A.
Protein change: p.Phe62Ile; replaces phenylalanine 62 with isoleucine.
Molecular consequence: missense variant.
Genome position (GRCh38, 1-based): chr12:12,718,023, T>A. VCF-style: chr12-12718023-T-A. GRCh37 (hg19) VCF-style: chr12-12870957-T-A.
Other names: short protein forms F62I.
Identifiers: ClinVar variation 5034237 (VCV005034237.1).
Genomic context (GRCh38, chr12:12,718,023, plus strand): 5'-ACCCGGGACTTGGAGAAGCACTGCAGAGACATGGAAGAGGCGAGCCAGCGCAAGTGGAAT[T>A]TCGATTTTCAGAATCACAAACCCCTAGAGGGCAAGTACGAGTGGCAAGAGGTGGAGAAGG-3'
Protein context (NP_004055.1, residues 52-72): MEEASQRKWN[Phe62Ile]DFQNHKPLEG